The following is an entry in ClinVar:

NC_000005.10:g.112707375A>G

Gene: APC (APC regulator of Wnt signaling pathway; plus strand). Cytogenetic location: 5q22.2.
Variant type: single nucleotide variant.
Genome position: GRCh38 VCF-style: chr5-112707375-A-G. GRCh37 (hg19) VCF-style: chr5-112043072-A-G.
Identifiers: ClinVar variation 386417 (VCV000386417.53), dbSNP rs13180781, ClinGen allele CA12147799.
Genomic context (GRCh38, chr5:112,707,375, plus strand): 5'-CAGCACAATTCAGAGAAGGCCAGTAAGTGCTGCAACTGAGACTCGGCTGCCTAGGCAGCA[A>G]TGGCTCACGGGACAGAACAGCGAAGCAGTGCCCGGCAAGCGGAGCGCAGCACCCATTGCG-3'

ClinVar aggregate classification (germline): Benign/Likely benign. Review status: criteria provided, multiple submitters, no conflicts (2 of 4 stars). 4 submissions from 4 submitters: Benign (2); Likely benign (1). 1 of the submissions does not count toward it. Last evaluated 2026-02-04.

Conditions:
APC-related disorder. Also called: APC-related condition.
Familial adenomatous polyposis 1 (FAP1). Also called: FAMILIAL ADENOMATOUS POLYPOSIS 1, ATTENUATED; POLYPOSIS, ADENOMATOUS INTESTINAL. Identifiers: MedGen C2713442, MONDO:0021056, OMIM 175100. Disease mechanism: loss of function.

Allele frequency attached by ClinVar (database versions not stated): 1000 Genomes Project 0.02975; gnomAD 0.06723 and 0.06995; gnomAD exomes 0.07193; 1000 Genomes Project 30x 0.02951; TOPMed 0.06337.

Submissions (4):

Labcorp Genetics (formerly Invitae), Labcorp
Classification: Benign for Familial adenomatous polyposis 1. Last evaluated: 2026-02-04. Review status: criteria provided, single submitter. Criteria: Invitae Variant Classification Sherloc (09022015). Collection method: clinical testing. Allele origin: germline.

Blueprint Genetics
Classification: Likely benign. Last evaluated: 2024-11-26. Review status: criteria provided, single submitter. Criteria: ACMG Guidelines, 2015. Collection method: clinical testing. Allele origin: germline.

GeneDx
Classification: Benign. Last evaluated: 2016-11-16. Review status: criteria provided, single submitter. Criteria: GeneDx Variant Classification (06012015). Collection method: clinical testing. Allele origin: germline. Affected: yes.
Comment: This variant is considered likely benign or benign based on one or more of the following criteria: it is a conservative change, it occurs at a poorly conserved position in the protein, it is predicted to be benign by multiple in silico algorithms, and/or has population frequency not consistent with disease.

PreventionGenetics, part of Exact Sciences
Classification: Benign for APC-related condition. Last evaluated: 2023-05-04. Review status: no assertion criteria provided. Collection method: clinical testing. Allele origin: germline. Not counted in ClinVar's aggregate classification.
Comment: This variant is classified as benign based on ACMG/AMP sequence variant interpretation guidelines (Richards et al. 2015 PMID: 25741868, with internal and published modifications).